The following is an entry in ClinVar:

ClinVar aggregate classification (germline): Uncertain significance (1 of 4 stars; one submission).

Conditions:
TTC21B-related disorder. Also called: TTC21B-related condition; TTC21B-related disorders.

Submission:

PreventionGenetics, part of Exact Sciences
Classification: Uncertain significance for TTC21B-related condition. Last evaluated: 2026-04-11. Review status: criteria provided, single submitter. Criteria: ACMG Guidelines, 2015. Collection method: clinical testing. Allele origin: germline.
Comment: The TTC21B c.2621A>T variant is predicted to result in the amino acid substitution p.Asp874Val. To our knowledge, this variant has not been reported in the literature or in a large population database (gnomAD), indicating this variant is rare. At this time, the clinical significance of this variant is uncertain due to the absence of conclusive functional and genetic evidence.

NM_024753.5(TTC21B):c.2621A>T (p.Asp874Val)

Gene: TTC21B (tetratricopeptide repeat domain 21B; minus strand). Cytogenetic location: 2q24.3.
Variant type: single nucleotide variant.
Coding change: c.2621A>T on transcript NM_024753.5 (MANE Select); coding-DNA position 2621, A replaced by T.
Protein change: p.Asp874Val; replaces aspartic acid 874 with valine.
Molecular consequence: missense variant.
Genome position (GRCh38, 1-based): chr2:165,901,858, T>A on the plus strand (A>T on the coding strand, the complement: TTC21B is on the minus strand). VCF-style: chr2-165901858-T-A. GRCh37 (hg19) VCF-style: chr2-166758368-T-A.
Other names: short protein forms D874V.
Identifiers: ClinVar variation 4986180 (VCV004986180.1).
Genomic context (GRCh38, chr2:165,901,858, plus strand): 5'-GAATGTTTTGCAATCTCTGCACAAATTTCAGCTGCTAAATGTTTCTGTGCAGGAACTGCA[T>A]CTGGCTGTTCCATCTGAACACGTTTTAGTACCCGAGCTTGTAATTCTCGAGCCTAGAAAA-3'
Protein context (NP_079029.3, residues 864-884): VLKRVQMEQP[Asp874Val]AVPAQKHLAA